The following is an entry in ClinVar:

ClinVar aggregate classification (germline): Uncertain significance. Review status: criteria provided, multiple submitters, no conflicts (2 of 4 stars). 2 submissions from 2 submitters: Uncertain significance (2). Last evaluated 2025-11-04.

Allele frequency attached by ClinVar (database versions not stated): TOPMed 0.00071; gnomAD exomes 0.00016 and 0.00007; gnomAD 0.00065 and 0.00071; ExAC 0.00014; ESP Exome Variant Server 0.00108.

Submissions (2):

GeneDx
Classification: Uncertain significance. Last evaluated: 2025-11-04. Review status: criteria provided, single submitter. Criteria: GeneDx Variant Classification Process June 2021. Collection method: clinical testing. Allele origin: germline. Affected: yes.
Comment: Has not been previously published as pathogenic or benign to our knowledge; In silico analysis supports a deleterious effect on splicing

Labcorp Genetics (formerly Invitae), Labcorp
Classification: Uncertain significance. Last evaluated: 2022-06-30. Review status: criteria provided, single submitter. Criteria: Invitae Variant Classification Sherloc (09022015). Collection method: clinical testing. Allele origin: germline.
Comment: This sequence change falls in intron 2 of the SLC34A1 gene. It does not directly change the encoded amino acid sequence of the SLC34A1 protein. It affects a nucleotide within the consensus splice site. This variant is present in population databases (rs376142697, gnomAD 0.2%). This variant has not been reported in the literature in individuals affected with SLC34A1-related conditions. ClinVar contains an entry for this variant (Variation ID: 1318453). Variants that disrupt the consensus splice site are a relatively common cause of aberrant splicing (PMID: 17576681, 9536098). Algorithms developed to predict the effect of sequence changes on RNA splicing suggest that this variant may disrupt the consensus splice site. In summary, the available evidence is currently insufficient to determine the role of this variant in disease. Therefore, it has been classified as a Variant of Uncertain Significance.

Literature cited by the submitters: PubMed 17576681 (cited by Labcorp Genetics (formerly Invitae), Labcorp); PubMed 9536098 (cited by Labcorp Genetics (formerly Invitae), Labcorp).

NM_003052.5(SLC34A1):c.109+5G>A

Gene: SLC34A1 (solute carrier family 34 member 1; plus strand). Cytogenetic location: 5q35.3.
Variant type: single nucleotide variant.
Coding change: c.109+5G>A on transcript NM_003052.5 (MANE Select); 5 bases into the intron after coding-DNA position 109, G replaced by A.
Molecular consequence: intron variant.
Genome position (GRCh38, 1-based): chr5:177,385,855, G>A. VCF-style: chr5-177385855-G-A. GRCh37 (hg19) VCF-style: chr5-176812856-G-A.
Other names: c.109+5G>A (NM_001167579.2).
Identifiers: ClinVar variation 1318453 (VCV001318453.6), dbSNP rs376142697, ClinGen allele CA3580244.
Genomic context (GRCh38, chr5:177,385,855, plus strand): 5'-CCGTGGGGGGCATGTGATGCGAGGGACGGCCTTTGCCTACGTGCCCAGCCCTCAGGGTAA[G>A]TGCTGCTCCCACACCCTGGACCCTGGTTGCCCACGGTTGCCCACATCCCGGATGAGGCCA-3'